The following is an entry in ClinVar:

NM_006445.4(PRPF8):c.1289+6G>T

Gene: PRPF8 (pre-mRNA processing factor 8; minus strand). Cytogenetic location: 17p13.3.
Variant type: single nucleotide variant.
Coding change: c.1289+6G>T on transcript NM_006445.4 (MANE Select); 6 bases into the intron after coding-DNA position 1289, G replaced by T.
Molecular consequence: intron variant.
Genome position (GRCh38, 1-based): chr17:1,679,603, C>A on the plus strand (G>T on the coding strand, the complement: PRPF8 is on the minus strand). VCF-style: chr17-1679603-C-A. GRCh37 (hg19) VCF-style: chr17-1582897-C-A.
Identifiers: ClinVar variation 2995420 (VCV002995420.3), dbSNP rs764359976, ClinGen allele CA8272399.

ClinVar aggregate classification (germline): Uncertain significance (1 of 4 stars; one submission).

Allele frequency attached by ClinVar (database versions not stated): gnomAD exomes below 0.00001; ExAC 0.00001.
gnomAD v4.1: 5 of 1,613,114 alleles (0.00031%); highest among the groups gnomAD compares: South Asian, 0.0011%; no homozygotes.

Submission:

Labcorp Genetics (formerly Invitae), Labcorp
Classification: Uncertain significance. Last evaluated: 2024-01-25. Review status: criteria provided, single submitter. Criteria: Invitae Variant Classification Sherloc (09022015). Collection method: clinical testing. Allele origin: germline.
Comment: This sequence change falls in intron 9 of the PRPF8 gene. It does not directly change the encoded amino acid sequence of the PRPF8 protein. It affects a nucleotide within the consensus splice site. This variant is present in population databases (rs764359976, gnomAD 0.003%). This variant has not been reported in the literature in individuals affected with PRPF8-related conditions. Variants that disrupt the consensus splice site are a relatively common cause of aberrant splicing (PMID: 17576681, 9536098). Algorithms developed to predict the effect of sequence changes on RNA splicing suggest that this variant is not likely to affect RNA splicing. In summary, the available evidence is currently insufficient to determine the role of this variant in disease. Therefore, it has been classified as a Variant of Uncertain Significance.

Literature cited by the submitters: PubMed 17576681; PubMed 9536098.